The following is an entry in ClinVar:

ClinVar aggregate classification (germline): Uncertain significance (1 of 4 stars; one submission).

Allele frequency attached by ClinVar (database versions not stated): ExAC 0.00001.
gnomAD v4.1: 2 of 1,613,648 alleles (0.00012%); highest among the groups gnomAD compares: Admixed American, 0.0033%; no homozygotes.

Submission:

Labcorp Genetics (formerly Invitae), Labcorp
Classification: Uncertain significance. Last evaluated: 2024-08-01. Review status: criteria provided, single submitter. Criteria: Invitae Variant Classification Sherloc (09022015). Collection method: clinical testing. Allele origin: germline.
Comment: This sequence change replaces alanine, which is neutral and non-polar, with glycine, which is neutral and non-polar, at codon 118 of the COL9A2 protein (p.Ala118Gly). This variant is present in population databases (rs780149118, gnomAD 0.006%). This variant has not been reported in the literature in individuals affected with COL9A2-related conditions. ClinVar contains an entry for this variant (Variation ID: 1986620). Advanced modeling of protein sequence and biophysical properties (such as structural, functional, and spatial information, amino acid conservation, physicochemical variation, residue mobility, and thermodynamic stability) performed at Invitae indicates that this missense variant is not expected to disrupt COL9A2 protein function with a negative predictive value of 95%. In summary, the available evidence is currently insufficient to determine the role of this variant in disease. Therefore, it has been classified as a Variant of Uncertain Significance.

NM_001852.4(COL9A2):c.353C>G (p.Ala118Gly)

Gene: COL9A2 (collagen type IX alpha 2 chain; minus strand). Cytogenetic location: 1p34.2.
Variant type: single nucleotide variant.
Coding change: c.353C>G on transcript NM_001852.4 (MANE Select); coding-DNA position 353, C replaced by G.
Protein change: p.Ala118Gly; replaces alanine 118 with glycine.
Molecular consequence: missense variant.
Genome position (GRCh38, 1-based): chr1:40,312,466, G>C on the plus strand (C>G on the coding strand, the complement: COL9A2 is on the minus strand). VCF-style: chr1-40312466-G-C. GRCh37 (hg19) VCF-style: chr1-40778138-G-C.
Other names: short protein forms A118G.
Identifiers: ClinVar variation 1986620 (VCV001986620.4), dbSNP rs780149118, ClinGen allele CA791985.
Genomic context (GRCh38, chr1:40,312,466, plus strand): 5'-CCTCCTTCCCTGGGAGTTCTGGGGATCCTGCCCCATCCCTGAGGACTTACAGGAGGTCCA[G>C]CAAAACCAGGGCCCTGGAACAGAAAGAAAGAAAATTGGCTTCATGGCTCCCTCTGCAGGT-3'
Protein context (NP_001843.1, residues 108-128): GPPGLPGPGF[Ala118Gly]GPPGPPGPVG